The following is an entry in ClinVar:

NM_002485.5(NBN):c.235A>G (p.Asn79Asp)

Gene: NBN (nibrin; minus strand). Cytogenetic location: 8q21.3.
Variant type: single nucleotide variant.
Coding change: c.235A>G on transcript NM_002485.5 (MANE Select); coding-DNA position 235, A replaced by G.
Protein change: p.Asn79Asp; replaces asparagine 79 with aspartic acid.
Molecular consequence: missense variant. On other transcripts: 5 prime UTR variant (1).
Genome position (GRCh38, 1-based): chr8:89,981,460, T>C on the plus strand (A>G on the coding strand, the complement: NBN is on the minus strand). VCF-style: chr8-89981460-T-C. GRCh37 (hg19) VCF-style: chr8-90993688-T-C.
Other names: c.-12A>G (NM_001024688.3); short protein forms N79D.
Identifiers: ClinVar variation 186176 (VCV000186176.23), dbSNP rs786202749, ClinGen allele CA194070.

ClinVar aggregate classification (germline): Conflicting classifications of pathogenicity. Review status: criteria provided, conflicting classifications (1 of 4 stars). 4 submissions from 4 submitters: Likely pathogenic (1); Uncertain significance (3). Last evaluated 2025-05-31.

Conditions:
Hereditary cancer-predisposing syndrome. Also called: Hereditary Cancer Syndrome; Neoplastic Syndromes, Hereditary; Tumor predisposition; Hereditary neoplastic syndrome. Identifiers: Orphanet 140162, MedGen C0027672, MeSH D009386, MONDO:0015356.
Ovarian cancer. Also called: OVARIAN CANCER, SOMATIC. Identifiers: Orphanet 213500, MedGen C1140680, MONDO:0008170, OMIM 167000.
Microcephaly, normal intelligence and immunodeficiency (NBS). Also called: IMMUNODEFICIENCY, MICROCEPHALY, AND CHROMOSOMAL INSTABILITY; SEEMANOVA SYNDROME II; Immunodeficiency, microcephaly with normal intelligence; Ataxia telangiectasia variant V1; Nijmegen breakage syndrome; Microcephaly with normal intelligence immunodeficiency and lymphoreticular malignancies. Identifiers: Orphanet 647, MedGen C0398791, MONDO:0009623, OMIM 251260.

Submissions (4):

Ambry Genetics
Classification: Uncertain significance for Hereditary cancer-predisposing syndrome. Last evaluated: 2025-05-31. Review status: criteria provided, single submitter. Criteria: Ambry Variant Classification Scheme 2023. Collection method: clinical testing. Allele origin: germline.
Comment: The p.N79D variant (also known as c.235A>G), located in coding exon 3 of the NBN gene, results from an A to G substitution at nucleotide position 235. The asparagine at codon 79 is replaced by aspartic acid, an amino acid with highly similar properties. This amino acid position is highly conserved in available vertebrate species. In addition, this alteration is predicted to be tolerated by in silico analysis. Since supporting evidence is limited at this time, the clinical significance of this alteration remains unclear.

Labcorp Genetics (formerly Invitae), Labcorp
Classification: Uncertain significance for Microcephaly, normal intelligence and immunodeficiency. Last evaluated: 2025-05-19. Review status: criteria provided, single submitter. Criteria: Invitae Variant Classification Sherloc (09022015). Collection method: clinical testing. Allele origin: germline.
Comment: This sequence change replaces asparagine, which is neutral and polar, with aspartic acid, which is acidic and polar, at codon 79 of the NBN protein (p.Asn79Asp). This variant is not present in population databases (gnomAD no frequency). This variant has not been reported in the literature in individuals affected with NBN-related conditions. ClinVar contains an entry for this variant (Variation ID: 186176). An algorithm developed to predict the effect of missense changes on protein structure and function (PolyPhen-2) suggests that this variant is likely to be disruptive. In summary, the available evidence is currently insufficient to determine the role of this variant in disease. Therefore, it has been classified as a Variant of Uncertain Significance.

Laboratory of Molecular Epidemiology of Birth Defects, West China Second University Hospital, Sichuan University
Classification: Likely pathogenic for Ovarian cancer. Last evaluated: 2022-01-01. Review status: criteria provided, single submitter. Criteria: ACMG Guidelines, 2015. Collection method: clinical testing. Allele origin: germline. Affected: yes.

Genome-Nilou Lab
Classification: Uncertain significance for Microcephaly, normal intelligence and immunodeficiency. Last evaluated: 2021-11-07. Review status: criteria provided, single submitter. Criteria: ACMG Guidelines, 2015. Collection method: clinical testing. Allele origin: germline. Affected: no.